The following is an entry in ClinVar:

ClinVar aggregate classification (germline): Pathogenic. Review status: criteria provided, single submitter (1 of 4 stars). 2 submissions from 2 submitters: Pathogenic (1). 1 of the submissions does not count toward it. Last evaluated 2023-02-24.

Conditions:
Bloom syndrome (BLM). Also called: Bloom-Torre-Machacek syndrome. Identifiers: Orphanet 125, MedGen C0005859, MONDO:0008876, OMIM 210900.

Allele frequency attached by ClinVar (database versions not stated): gnomAD exomes 0.00001.

Submissions (2):

Labcorp Genetics (formerly Invitae), Labcorp
Classification: Pathogenic for Bloom syndrome. Last evaluated: 2023-02-24. Review status: criteria provided, single submitter. Criteria: Invitae Variant Classification Sherloc (09022015). Collection method: clinical testing. Allele origin: germline.
Comment: This variant is not present in population databases (gnomAD no frequency). For these reasons, this variant has been classified as Pathogenic. ClinVar contains an entry for this variant (Variation ID: 370126). This variant has not been reported in the literature in individuals affected with BLM-related conditions. This sequence change creates a premature translational stop signal (p.His1102Argfs*20) in the BLM gene. It is expected to result in an absent or disrupted protein product. Loss-of-function variants in BLM are known to be pathogenic (PMID: 17407155).

Counsyl
Classification: Likely pathogenic for Bloom syndrome. Last evaluated: 2015-11-24. Review status: no assertion criteria provided. Collection method: clinical testing. Allele origin: unknown. Not counted in ClinVar's aggregate classification.

Literature cited by the submitters: PubMed 17407155 (cited by Labcorp Genetics (formerly Invitae), Labcorp).

NM_000057.4(BLM):c.3305_3306del (p.His1102fs)

Gene: BLM (BLM RecQ like helicase; plus strand). Cytogenetic location: 15q26.1.
Variant type: Deletion.
Coding change: c.3305_3306del on transcript NM_000057.4 (MANE Select); coding-DNA positions 3305 to 3306, 2 bases deleted (AT; older notation c.3305_3306delAT).
Protein change: p.His1102fs; shifts the reading frame from histidine 1102.
Molecular consequence: frameshift variant.
Genome position (GRCh38, 1-based): chr15:90,798,284-90,798,285, AT deleted. VCF-style (leftmost placement, unchanged base first): chr15-90798283-CAT-C. GRCh37 (hg19) VCF-style: chr15-91341513-CAT-C.
Other names: c.3305_3306del (LRG_20t1); c.3305_3306del, p.His1102fs (NM_001287246.2, NM_001287247.2); c.2180_2181del, p.His727fs (NM_001287248.2); short protein forms H727fs, H1102fs.
Identifiers: ClinVar variation 370126 (VCV000370126.11), dbSNP rs1057516253, ClinGen allele CA16041778.